The following is an entry in ClinVar:

NM_001162501.2(TNRC6B):c.3298C>T (p.Arg1100Ter)

Gene: TNRC6B (trinucleotide repeat containing adaptor 6B; plus strand). Cytogenetic location: 22q13.1.
Variant type: single nucleotide variant.
Coding change: c.3298C>T on transcript NM_001162501.2 (MANE Select); coding-DNA position 3298, C replaced by T.
Protein change: p.Arg1100Ter; replaces arginine 1100 with a stop codon.
Molecular consequence: nonsense.
Genome position (GRCh38, 1-based): chr22:40,280,030, C>T. VCF-style: chr22-40280030-C-T. GRCh37 (hg19) VCF-style: chr22-40676034-C-T.
Other names: c.1057C>T, p.Arg353Ter (NM_001024843.2); c.3139C>T, p.Arg1047Ter (NM_015088.3); short protein forms R1047*, R1100*, R353*.
Identifiers: ClinVar variation 3773686 (VCV003773686.2).

ClinVar aggregate classification (germline): Pathogenic (1 of 4 stars; one submission).

Conditions:
Global developmental delay with speech and behavioral abnormalities. Identifiers: MedGen C5543226, MONDO:0030995, OMIM 619243.

Submission:

Institute of Human Genetics, University of Leipzig Medical Center
Classification: Pathogenic for Global developmental delay with speech and behavioral abnormalities. Last evaluated: 2025-03-04. Review status: criteria provided, single submitter. Criteria: ACMG Guidelines, 2015. Collection method: clinical testing. Allele origin: unknown. Inheritance: Autosomal dominant inheritance. Affected: yes.
Comment: Criteria applied: PVS1,PM2